The following is an entry in ClinVar:

NM_138694.4(PKHD1):c.3303A>G (p.Thr1101=)

Gene: PKHD1 (PKHD1 ciliary IPT domain containing fibrocystin/polyductin; minus strand). Cytogenetic location: 6p12.2.
Variant type: single nucleotide variant.
Coding change: c.3303A>G on transcript NM_138694.4 (MANE Select); coding-DNA position 3303, A replaced by G.
Protein change: p.Thr1101=; no amino-acid change (threonine 1101 retained).
Molecular consequence: synonymous variant.
Genome position (GRCh38, 1-based): chr6:52,033,091, T>C on the plus strand (A>G on the coding strand, the complement: PKHD1 is on the minus strand). VCF-style: chr6-52033091-T-C. GRCh37 (hg19) VCF-style: chr6-51897889-T-C.
Other names: c.3303A>G, p.Thr1101= (NM_170724.3).
Identifiers: ClinVar variation 287087 (VCV000287087.49), dbSNP rs148335285, ClinGen allele CA3852983.
Genomic context (GRCh38, chr6:52,033,091, plus strand): 5'-TGCTATATTGCTTATGTTTCTGCTCAGAGTCACAATAACTGGATTTAAGGAAGAGACATA[T>C]GTAAATGCTCTGGGAAGAACTGCAGAATAGTCCCCTCTGATCACAGTCACATTCACAATG-3'
Protein context (NP_619639.3, residues 1091-1111): DYSAVLPRAF[Thr1101=]YVSSLNPVIV

ClinVar aggregate classification (germline): Conflicting classifications of pathogenicity. Review status: criteria provided, conflicting classifications (1 of 4 stars). 8 submissions from 8 submitters: Uncertain significance (1); Benign (2); Likely benign (3). 2 of the submissions do not count toward it. Last evaluated 2026-01-31.

Conditions:
PKHD1-related disorder. Also called: PKHD1-related condition.
Autosomal recessive polycystic kidney disease (ARPKD). Also called: AR polycystic kidney disease. Identifiers: Orphanet 731, Orphanet 8378, MedGen C0085548, MeSH D017044, MONDO:0009889.

Allele frequency attached by ClinVar (database versions not stated): gnomAD exomes 0.00024 and 0.00052; ExAC 0.00059; 1000 Genomes Project 30x 0.00219; 1000 Genomes Project 0.00220; TOPMed 0.00236; ESP Exome Variant Server 0.00269.
gnomAD v4.1: 695 of 1,611,108 alleles (0.043%); highest among the groups gnomAD compares: African/African-American, 0.83%; 3 homozygotes.

Submissions (8):

Labcorp Genetics (formerly Invitae), Labcorp
Classification: Benign for Autosomal recessive polycystic kidney disease. Last evaluated: 2026-01-31. Review status: criteria provided, single submitter. Criteria: Invitae Variant Classification Sherloc (09022015). Collection method: clinical testing. Allele origin: germline.

Blueprint Genetics
Classification: Likely benign. Last evaluated: 2024-10-17. Review status: criteria provided, single submitter. Criteria: ACMG Guidelines, 2015. Collection method: clinical testing. Allele origin: germline.

CeGaT Center for Human Genetics Tuebingen
Classification: Likely benign. Last evaluated: 2023-02-01. Review status: criteria provided, single submitter. Criteria: CeGaT Center For Human Genetics Tuebingen Variant Classification Criteria Version 2. Collection method: clinical testing. Allele origin: germline. Affected: yes. Observed: 1 variant allele.
Comment: PKHD1: BS2

GeneDx
Classification: Benign. Last evaluated: 2021-05-24. Review status: criteria provided, single submitter. Criteria: GeneDx Variant Classification Process June 2021. Collection method: clinical testing. Allele origin: germline. Affected: yes.

Illumina Laboratory Services, Illumina
Classification: Uncertain significance for Polycystic kidney disease 4. Last evaluated: 2018-01-13. Review status: criteria provided, single submitter. Criteria: ICSL Variant Classification Criteria 13 December 2019. Collection method: clinical testing. Allele origin: germline.

Eurofins Ntd Llc (ga)
Classification: Likely benign. Last evaluated: 2016-05-19. Review status: criteria provided, single submitter. Criteria: EGL Classification Definitions 2015. Collection method: clinical testing. Allele origin: germline. Observed: 1 variant allele, 1 heterozygote.

Natera, Inc.
Classification: Benign for Autosomal recessive polycystic kidney disease. Last evaluated: 2020-09-16. Review status: no assertion criteria provided. Collection method: clinical testing. Allele origin: germline. Not counted in ClinVar's aggregate classification.

PreventionGenetics, part of Exact Sciences
Classification: Likely benign for PKHD1-related condition. Last evaluated: 2019-03-13. Review status: no assertion criteria provided. Collection method: clinical testing. Allele origin: germline. Not counted in ClinVar's aggregate classification.
Comment: This variant is classified as likely benign based on ACMG/AMP sequence variant interpretation guidelines (Richards et al. 2015 PMID: 25741868, with internal and published modifications).